The following is an entry in ClinVar:

ClinVar aggregate classification (germline): Conflicting classifications of pathogenicity. Review status: criteria provided, conflicting classifications (1 of 4 stars). 4 submissions from 4 submitters: Uncertain significance (1); Likely benign (3). Last evaluated 2025-06-23.

Conditions:
Neurofibromatosis, type 2 (SWNV). Also called: BILATERAL ACOUSTIC NEUROFIBROMATOSIS; SCHWANNOMATOSIS, VESTIBULAR; NF2-Related Schwannomatosis. Identifiers: Orphanet 637, MedGen C0027832, MONDO:0007039, OMIM 101000. Disease mechanism: loss of function.
Hereditary cancer-predisposing syndrome. Also called: Neoplastic Syndromes, Hereditary; Tumor predisposition; Hereditary Cancer Syndrome; Hereditary neoplastic syndrome. Identifiers: Orphanet 140162, MedGen C0027672, MeSH D009386, MONDO:0015356.

gnomAD v4.1: 11 of 1,614,088 alleles (0.00068%); highest among the groups gnomAD compares: Admixed American, 0.0017%; no homozygotes.

Submissions (4):

Color Diagnostics, LLC DBA Color Health
Classification: Likely benign for Neurofibromatosis, type 2. Last evaluated: 2025-06-23. Review status: criteria provided, single submitter. Criteria: ACMG Guidelines, 2015. Collection method: clinical testing. Allele origin: germline.

Labcorp Genetics (formerly Invitae), Labcorp
Classification: Likely benign for Neurofibromatosis, type 2. Last evaluated: 2025-03-25. Review status: criteria provided, single submitter. Criteria: Invitae Variant Classification Sherloc (09022015). Collection method: clinical testing. Allele origin: germline.

All of Us Research Program, National Institutes of Health
Classification: Uncertain significance for Neurofibromatosis, type 2. Last evaluated: 2023-06-26. Review status: criteria provided, single submitter. Criteria: ACMG Guidelines, 2015. Collection method: clinical testing. Allele origin: germline. Inheritance: Autosomal dominant inheritance. Observed: 1 variant allele, 1 heterozygote.
Comment: This variant is located in the NF2 protein. To our knowledge, functional studies have not been reported for this variant. This variant has not been reported in individuals affected with NF2-related disorders in the literature. This variant has not been identified in the general population by the Genome Aggregation Database (gnomAD). The available evidence is insufficient to determine the role of this variant in disease conclusively. Therefore, this variant is classified as a Variant of Uncertain Significance.

This study involves interpretation of variants in research participants for the purpose of population health screening. Participant phenotype was not available at the time of variant classification. Additional details can be found in publication PMID: 35346344, PMCID: PMC8962531

Ambry Genetics
Classification: Likely benign for Hereditary cancer-predisposing syndrome. Last evaluated: 2022-08-03. Review status: criteria provided, single submitter. Criteria: Ambry Variant Classification Scheme 2023. Collection method: clinical testing. Allele origin: germline.

NM_000268.4(NF2):c.1521C>T (p.Phe507=)

Gene: NF2 (NF2, moesin-ezrin-radixin like (MERLIN) tumor suppressor; plus strand). Cytogenetic location: 22q12.2.
Variant type: single nucleotide variant.
Coding change: c.1521C>T on transcript NM_000268.4 (MANE Select); coding-DNA position 1521, C replaced by T.
Protein change: p.Phe507=; no amino-acid change (phenylalanine 507 retained).
Molecular consequence: synonymous variant. On other transcripts: non-coding transcript variant (1), intron variant (1).
Genome position (GRCh38, 1-based): chr22:29,678,270, C>T. VCF-style: chr22-29678270-C-T. GRCh37 (hg19) VCF-style: chr22-30074259-C-T.
Other names: c.1521C>T, p.Phe507= (NM_016418.5, NM_181825.3, NM_181832.3); c.1395C>T, p.Phe465= (NM_181828.3); c.1398C>T, p.Phe466= (NM_181829.3); c.1272C>T, p.Phe424= (NM_181830.3, NM_181831.3); c.448-16482C>T (NM_181833.3).
Identifiers: ClinVar variation 1112805 (VCV001112805.13), dbSNP rs994823423, ClinGen allele CA323119265.